The following is an entry in ClinVar:

NM_024422.6(DSC2):c.776-13T>G

Gene: DSC2 (desmocollin 2; minus strand). Cytogenetic location: 18q12.1.
Variant type: single nucleotide variant.
Coding change: c.776-13T>G on transcript NM_024422.6 (MANE Select); 13 bases into the intron before coding-DNA position 776, T replaced by G.
Molecular consequence: intron variant.
Genome position (GRCh38, 1-based): chr18:31,086,755, A>C on the plus strand (T>G on the coding strand, the complement: DSC2 is on the minus strand). VCF-style: chr18-31086755-A-C. GRCh37 (hg19) VCF-style: chr18-28666718-A-C.
Other names: c.776-13T>G (NM_004949.5).
Identifiers: ClinVar variation 392696 (VCV000392696.5), dbSNP rs370595433, ClinGen allele CA16607950.

ClinVar aggregate classification (germline): Conflicting classifications of pathogenicity. Review status: criteria provided, conflicting classifications (1 of 4 stars). 3 submissions from 3 submitters: Uncertain significance (1); Likely benign (2). Last evaluated 2025-09-29.

Conditions:
Arrhythmogenic right ventricular dysplasia 11. Also called: Arrhythmogenic Right Ventricular Dysplasia/Cardiomyopathy11; ARRHYTHMOGENIC RIGHT VENTRICULAR DYSPLASIA, FAMILIAL, 11; Arrhythmogenic right ventricular dysplasia 11 with mild palmoplantar keratoderma and woolly hair. Identifiers: MedGen C1864850, MONDO:0012506, OMIM 610476.
Cardiomyopathy (CMYO). Also called: Cardiomyopathies. Identifiers: Orphanet 167848, MedGen C0878544, MONDO:0004994, HP:0001638. Inheritance: Various modes of inheritance.

Allele frequency attached by ClinVar (database versions not stated): gnomAD exomes below 0.00001; TOPMed 0.00002; gnomAD 0.00003; ESP Exome Variant Server 0.00008.
gnomAD v4.1: 9 of 1,612,488 alleles (0.00056%); highest among the groups gnomAD compares: African/African-American, 0.0094%; no homozygotes.

Submissions (3):

Labcorp Genetics (formerly Invitae), Labcorp
Classification: Likely benign for Arrhythmogenic right ventricular dysplasia 11. Last evaluated: 2025-09-29. Review status: criteria provided, single submitter. Criteria: Invitae Variant Classification Sherloc (09022015). Collection method: clinical testing. Allele origin: germline.

Color Diagnostics, LLC DBA Color Health
Classification: Uncertain significance for Cardiomyopathy. Last evaluated: 2023-08-02. Review status: criteria provided, single submitter. Criteria: ACMG Guidelines, 2015. Collection method: clinical testing. Allele origin: germline.
Comment: This variant causes a T to G nucleotide substitution at the -13 position of intron 6 of the DSC2 gene. To our knowledge, functional studies have not been reported for this variant. This variant has not been reported in individuals affected with DSC2-related disorders in the literature. This variant has been identified in 1/247780 chromosomes in the general population by the Genome Aggregation Database (gnomAD). The available evidence is insufficient to determine the role of this variant in disease conclusively. Therefore, this variant is classified as a Variant of Uncertain Significance.

GeneDx
Classification: Likely benign. Last evaluated: 2017-01-13. Review status: criteria provided, single submitter. Criteria: GeneDx Variant Classification (06012015). Collection method: clinical testing. Allele origin: germline. Affected: yes.
Comment: This variant is considered likely benign or benign based on one or more of the following criteria: it is a conservative change, it occurs at a poorly conserved position in the protein, it is predicted to be benign by multiple in silico algorithms, and/or has population frequency not consistent with disease.